The following is an entry in ClinVar:

ClinVar aggregate classification (germline): Uncertain significance. Review status: criteria provided, multiple submitters, no conflicts (2 of 4 stars). 3 submissions from 3 submitters: Uncertain significance (3). Last evaluated 2025-04-09.

Conditions:
Hereditary cancer-predisposing syndrome. Also called: Tumor predisposition; Hereditary neoplastic syndrome; Neoplastic Syndromes, Hereditary; Hereditary Cancer Syndrome. Identifiers: Orphanet 140162, MedGen C0027672, MeSH D009386, MONDO:0015356.
Patterned macular dystrophy 2. Identifiers: Orphanet 99001, MedGen C1837029, MONDO:0012162, OMIM 608970.

Allele frequency attached by ClinVar (database versions not stated): gnomAD exomes below 0.00001; TOPMed below 0.00001; ExAC 0.00001; gnomAD 0.00001; ESP Exome Variant Server 0.00008.
gnomAD v4.1: 1 of 1,614,044 alleles (0.000062%); highest among the groups gnomAD compares: African/African-American, 0.0013%; no homozygotes.

Submissions (3):

Ambry Genetics
Classification: Uncertain significance for Hereditary cancer-predisposing syndrome. Last evaluated: 2025-04-09. Review status: criteria provided, single submitter. Criteria: Ambry Variant Classification Scheme 2023. Collection method: clinical testing. Allele origin: germline.
Comment: The p.Q67H variant (also known as c.201A>C), located in coding exon 2 of the CTNNA1 gene, results from an A to C substitution at nucleotide position 201. The glutamine at codon 67 is replaced by histidine, an amino acid with highly similar properties. This amino acid position is well conserved in available vertebrate species. In addition, this alteration is predicted to be tolerated by in silico analysis. Based on the available evidence, the clinical significance of this variant remains unclear.

Labcorp Genetics (formerly Invitae), Labcorp
Classification: Uncertain significance. Last evaluated: 2024-06-12. Review status: criteria provided, single submitter. Criteria: Invitae Variant Classification Sherloc (09022015). Collection method: clinical testing. Allele origin: germline.
Comment: This sequence change replaces glutamine, which is neutral and polar, with histidine, which is basic and polar, at codon 67 of the CTNNA1 protein (p.Gln67His). This variant is present in population databases (rs369216126, gnomAD 0.007%). This variant has not been reported in the literature in individuals affected with CTNNA1-related conditions. ClinVar contains an entry for this variant (Variation ID: 960847). Advanced modeling of protein sequence and biophysical properties (such as structural, functional, and spatial information, amino acid conservation, physicochemical variation, residue mobility, and thermodynamic stability) performed at Invitae indicates that this missense variant is not expected to disrupt CTNNA1 protein function with a negative predictive value of 80%. In summary, the available evidence is currently insufficient to determine the role of this variant in disease. Therefore, it has been classified as a Variant of Uncertain Significance.

Baylor Genetics
Classification: Uncertain significance for Patterned macular dystrophy 2. Last evaluated: 2024-02-23. Review status: criteria provided, single submitter. Criteria: ACMG Guidelines, 2015. Collection method: clinical testing. Allele origin: unknown.

NM_001903.5(CTNNA1):c.201A>C (p.Gln67His)

Gene: CTNNA1 (catenin alpha 1; plus strand). Cytogenetic location: 5q31.2.
Variant type: single nucleotide variant.
Coding change: c.201A>C on transcript NM_001903.5 (MANE Select); coding-DNA position 201, A replaced by C.
Protein change: p.Gln67His; replaces glutamine 67 with histidine.
Molecular consequence: missense variant. On other transcripts: 5 prime UTR variant (1), intron variant (1).
Genome position (GRCh38, 1-based): chr5:138,783,272, A>C. VCF-style: chr5-138783272-A-C. GRCh37 (hg19) VCF-style: chr5-138118961-A-C.
Other names: c.201A>C, p.Gln67His (NM_001290307.3, NM_001323982.2, NM_001323983.1 and 3 more transcripts); c.-6A>C (NM_001290310.3); c.-9+1243A>C (NM_001290309.3); short protein forms Q67H.
Identifiers: ClinVar variation 960847 (VCV000960847.14), dbSNP rs369216126, ClinGen allele CA3431377.